The following is an entry in ClinVar:

ClinVar aggregate classification (germline): Pathogenic (1 of 4 stars; one submission).

Submission:

Labcorp Genetics (formerly Invitae), Labcorp
Classification: Pathogenic. Last evaluated: 2022-12-06. Review status: criteria provided, single submitter. Criteria: Invitae Variant Classification Sherloc (09022015). Collection method: clinical testing. Allele origin: germline.
Comment: For these reasons, this variant has been classified as Pathogenic. Algorithms developed to predict the effect of sequence changes on RNA splicing suggest that this variant may disrupt the consensus splice site. This variant has not been reported in the literature in individuals affected with ABCB4-related conditions. This variant is not present in population databases (gnomAD no frequency). This sequence change creates a premature translational stop signal (p.Asp885*) in the ABCB4 gene. It is expected to result in an absent or disrupted protein product. Loss-of-function variants in ABCB4 are known to be pathogenic (PMID: 17726488, 25755532).

Literature cited by the submitters: PubMed 17726488; PubMed 25755532.

NM_000443.4(ABCB4):c.2653_2654del (p.Arg884_Asp885insTer)

Gene: ABCB4 (ATP binding cassette subfamily B member 4; minus strand). Cytogenetic location: 7q21.12.
Variant type: Microsatellite.
Coding change: c.2653_2654del on transcript NM_000443.4 (MANE Select); coding-DNA positions 2653 to 2654, 2 bases deleted (GA; older notation c.2653_2654delGA).
Protein change: p.Arg884_Asp885insTer.
Molecular consequence: nonsense.
Genome position (GRCh38, 1-based): chr7:87,417,340-87,417,341, TC deleted on the plus strand (GA on the coding strand, the reverse complement: ABCB4 is on the minus strand); deleting any 2 consecutive bases within chr7:87,417,340-87,417,344 gives the same sequence; the c. name uses the placement nearest the transcript's 3' end. VCF-style (leftmost placement, unchanged base first): chr7-87417339-ATC-A. GRCh37 (hg19) VCF-style: chr7-87046655-ATC-A.
Other names: c.2653_2654del, p.Arg884_Asp885insTer (NM_018849.3, NM_018850.3).
Identifiers: ClinVar variation 1431360 (VCV001431360.6), dbSNP rs2116463248, ClinGen allele CA2580615908.
Genomic context (GRCh38, chr7:87,417,339, plus strand): 5'-ACTTAACACCAATTGAAATCTTATTTGACCTACCTTTCCAGCAGCTTCCAGTTCTTTTTT[ATC>A]TCTTTTGGCATTTCCAGCCAACAATTTCATTTCAACAATTCCTGACACAGCAATAATTGG-3'